The following is an entry in ClinVar:

NM_018486.3(HDAC8):c.164_164+1delinsCT

Gene: HDAC8 (histone deacetylase 8; minus strand). Cytogenetic location: Xq13.1.
Variant type: Indel.
Coding change: c.164_164+1delinsCT on transcript NM_018486.3 (MANE Select); coding-DNA position 164 through the canonical splice donor site of the intron after coding-DNA position 164, GG replaced by CT.
Molecular consequence: splice donor variant.
Genome position (GRCh38, 1-based): chrX:72,572,056-72,572,057, CC replaced by AG on the plus strand (GG replaced by CT on the coding strand, the reverse complement: HDAC8 is on the minus strand). VCF-style: chrX-72572056-CC-AG. GRCh37 (hg19) VCF-style: chrX-71791906-CC-AG.
Other names: c.164_164+1delinsCT (NM_001166418.2, NM_001166448.2, NM_001166419.2 and 2 more transcripts).
Identifiers: ClinVar variation 423598 (VCV000423598.2), dbSNP rs1064796517, ClinGen allele CA16621499.

ClinVar aggregate classification (germline): Likely pathogenic (1 of 4 stars; one submission).

Submission:

GeneDx
Classification: Likely pathogenic. Last evaluated: 2017-02-08. Review status: criteria provided, single submitter. Criteria: GeneDx Variant Classification (06012015). Collection method: clinical testing. Allele origin: germline. Affected: yes.
Comment: The c.164_164+1delGGinsCT variant in the HDAC8 gene has not been reported previously as a pathogenic variant nor as a benign variant, to our knowledge. This splice site variant destroys the canonical splice donor site in intron 2. It is predicted to cause abnormal gene splicing, either leading to an abnormal message that is subject to nonsense-mediated mRNA decay, or to an abnormal protein product if the message is used for protein translation. The c.164_164+1delGGinsCT variant is not observed in large population cohorts (Lek et al., 2016; 1000 Genomes Consortium et al., 2015; Exome Variant Server). We interpret c.164_164+1delGGinsCT as a likely pathogenic variant.